The following is an entry in ClinVar:

NM_032638.5(GATA2):c.15_16delinsGC (p.Glu6Gln)

Gene: GATA2 (GATA binding protein 2; minus strand). Cytogenetic location: 3q21.3.
Variant type: Indel.
Coding change: c.15_16delinsGC on transcript NM_032638.5 (MANE Select); coding-DNA positions 15 to 16, CG replaced by GC.
Protein change: p.Glu6Gln; replaces glutamic acid 6 with glutamine.
Molecular consequence: missense variant.
Genome position (GRCh38, 1-based): chr3:128,487,016-128,487,017, CG replaced by GC on the plus strand (CG replaced by GC on the coding strand, the reverse complement: GATA2 is on the minus strand). VCF-style: chr3-128487016-CG-GC. GRCh37 (hg19) VCF-style: chr3-128205859-CG-GC.
Other names: c.15_16delinsGC, p.Glu6Gln (NM_001145661.2, NM_001145662.1); c.15_16delCGinsGC (NM_032638.4); short protein forms E6Q.
Identifiers: ClinVar variation 656163 (VCV000656163.9), dbSNP rs1576750018, ClinGen allele CA915941571.

ClinVar aggregate classification (germline): Uncertain significance. Review status: criteria provided, multiple submitters, no conflicts (2 of 4 stars). 2 submissions from 2 submitters: Uncertain significance (2). Last evaluated 2025-07-05.

Conditions:
Inborn genetic diseases. Identifiers: MedGen C0950123, MeSH D030342.
Deafness-lymphedema-leukemia syndrome. Also called: Lymphedema, primary, with myelodysplasia; Emberger syndrome. Identifiers: Orphanet 3226, MedGen C3279664, MONDO:0013540, OMIM 614038.
Monocytopenia with susceptibility to infections. Also called: MONOCYTOPENIA AND MYCOBACTERIAL INFECTION SYNDROME; MONOCYTOPENIA WITH SUSCEPTIBILITY TO MYCOBACTERIAL, FUNGAL, AND PAPILLOMAVIRUS INFECTIONS AND MYELODYSPLASIA; COMBINED IMMUNODEFICIENCY WITH SUSCEPTIBILITY TO MYCOBACTERIAL, VIRAL, AND FUNGAL INFECTIONS; Dendritic cell, monocyte, B lymphocyte, and natural killer lymphocyte deficiency; IMMUNODEFICIENCY 21; GATA2 DEFICIENCY. Identifiers: Orphanet 228423, MedGen C3280030, MONDO:0013607, OMIM 614172.

Submissions (2):

Labcorp Genetics (formerly Invitae), Labcorp
Classification: Uncertain significance for Monocytopenia with susceptibility to infections; Deafness-lymphedema-leukemia syndrome. Last evaluated: 2025-07-05. Review status: criteria provided, single submitter. Criteria: Invitae Variant Classification Sherloc (09022015). Collection method: clinical testing. Allele origin: germline.
Comment: This sequence change replaces glutamic acid, which is acidic and polar, with glutamine, which is neutral and polar, at codon 6 of the GATA2 protein (p.Glu6Gln). Information on the frequency of this variant in the gnomAD database is not available, as this variant may be reported differently in the database. This variant has not been reported in the literature in individuals affected with GATA2-related conditions. ClinVar contains an entry for this variant (Variation ID: 656163). Experimental studies and prediction algorithms are not available or were not evaluated, and the functional significance of this variant is currently unknown. In summary, the available evidence is currently insufficient to determine the role of this variant in disease. Therefore, it has been classified as a Variant of Uncertain Significance.

Ambry Genetics
Classification: Uncertain significance for Inborn genetic diseases. Last evaluated: 2025-01-09. Review status: criteria provided, single submitter. Criteria: Ambry Variant Classification Scheme 2023. Collection method: clinical testing. Allele origin: germline.
Comment: The c.15_16delCGinsGC variant, located in coding exon 1 of the GATA2 gene, results from an in-frame deletion of CG and insertion of GC at nucleotide positions 15 to 16. This results in the substitution of the glutamic acid residue for a glutamine residue at codon 6, an amino acid with highly similar properties. This amino acid position is not well conserved in available vertebrate species. Based on the available evidence, the clinical significance of this variant remains unclear.